The following is an entry in ClinVar:

ClinVar aggregate classification (germline): Uncertain significance (1 of 4 stars; one submission).

gnomAD v4.1: 1 of 1,614,106 alleles (0.000062%); no homozygotes.

Submission:

GeneDx
Classification: Uncertain significance. Last evaluated: 2026-01-23. Review status: criteria provided, single submitter. Criteria: GeneDx Variant Classification Process June 2021. Collection method: clinical testing. Allele origin: germline.
Comment: Not observed at significant frequency in large population cohorts (gnomAD); In silico analysis supports that this missense variant has a deleterious effect on protein structure/function; Has not been previously published as pathogenic or benign to our knowledge

NM_001374353.1(GLI2):c.1252T>C (p.Tyr418His)

Gene: GLI2 (GLI family zinc finger 2; plus strand). Cytogenetic location: 2q14.2.
Variant type: single nucleotide variant.
Coding change: c.1252T>C on transcript NM_001374353.1 (MANE Select); coding-DNA position 1252, T replaced by C.
Protein change: p.Tyr418His; replaces tyrosine 418 with histidine.
Molecular consequence: missense variant.
Genome position (GRCh38, 1-based): chr2:120,975,044, T>C. VCF-style: chr2-120975044-T-C. GRCh37 (hg19) VCF-style: chr2-121732620-T-C.
Other names: c.1303T>C, p.Tyr435His (NM_001371271.1, NM_005270.5); c.877T>C, p.Tyr293His (NM_001374354.1); short protein forms Y293H, Y418H, Y435H.
Identifiers: ClinVar variation 4975520 (VCV004975520.1).